The following is an entry in ClinVar:

NM_018297.4(NGLY1):c.78G>T (p.Glu26Asp)

Gene: NGLY1 (N-glycanase 1; minus strand). Cytogenetic location: 3p24.2.
Variant type: single nucleotide variant.
Coding change: c.78G>T on transcript NM_018297.4 (MANE Select); coding-DNA position 78, G replaced by T.
Protein change: p.Glu26Asp; replaces glutamic acid 26 with aspartic acid.
Molecular consequence: missense variant. On other transcripts: intron variant (1).
Genome position (GRCh38, 1-based): chr3:25,783,313, C>A on the plus strand (G>T on the coding strand, the complement: NGLY1 is on the minus strand). VCF-style: chr3-25783313-C-A. GRCh37 (hg19) VCF-style: chr3-25824804-C-A.
Other names: c.78G>T, p.Glu26Asp (NM_001145293.2, NM_001145295.2); c.6-4625G>T (NM_001145294.2); short protein forms E26D.
Identifiers: ClinVar variation 2074643 (VCV002074643.1), dbSNP rs1708507052, ClinGen allele CA351911287.

ClinVar aggregate classification (germline): Uncertain significance (1 of 4 stars; one submission).

Conditions:
Congenital disorder of deglycosylation (CDDG). Identifiers: MedGen C3808991, MONDO:0031376.

Submission:

Labcorp Genetics (formerly Invitae), Labcorp
Classification: Uncertain significance for Congenital disorder of deglycosylation. Last evaluated: 2022-01-04. Review status: criteria provided, single submitter. Criteria: Invitae Variant Classification Sherloc (09022015). Collection method: clinical testing. Allele origin: germline.
Comment: This sequence change replaces glutamic acid, which is acidic and polar, with aspartic acid, which is acidic and polar, at codon 26 of the NGLY1 protein (p.Glu26Asp). This variant is not present in population databases (gnomAD no frequency). This variant has not been reported in the literature in individuals affected with NGLY1-related conditions. Algorithms developed to predict the effect of missense changes on protein structure and function (SIFT, PolyPhen-2, Align-GVGD) all suggest that this variant is likely to be tolerated. In summary, the available evidence is currently insufficient to determine the role of this variant in disease. Therefore, it has been classified as a Variant of Uncertain Significance.